The following is an entry in ClinVar:

NM_000257.4(MYH7):c.2204_2208del (p.Gln734_Phe735insTer)

Gene: MYH7 (myosin heavy chain 7; minus strand). Cytogenetic location: 14q11.2.
Variant type: Deletion.
Coding change: c.2204_2208del on transcript NM_000257.4 (MANE Select); coding-DNA positions 2204 to 2208, 5 bases deleted (TCATT; older notation c.2204_2208delTCATT).
Protein change: p.Gln734_Phe735insTer.
Molecular consequence: nonsense.
Genome position (GRCh38, 1-based): chr14:23,425,773-23,425,777, AATGA deleted on the plus strand (TCATT on the coding strand, the reverse complement: MYH7 is on the minus strand); deleting any 5 consecutive bases within chr14:23,425,773-23,425,778 gives the same sequence; the c. name uses the placement nearest the transcript's 3' end. VCF-style (leftmost placement, unchanged base first): chr14-23425772-CAATGA-C. GRCh37 (hg19) VCF-style: chr14-23894981-CAATGA-C.
Other names: c.2204_2208del, p.Gln734_Phe735insTer (NM_001407004.1).
Identifiers: ClinVar variation 3723067 (VCV003723067.2).
Genomic context (GRCh38, chr14:23,425,772, plus strand): 5'-TGTACTGGTTGTGATCAATGTCCAGGGAGCTGAGCAGCTTCTCTGCCCCCTTCCTGCTAT[CAATGA>C]ACTGTCCCTCAGGGATGGCCGCTGGGTTCAGGATGCGATACCTGAGGAGGGAAGTGTCCA-3'

ClinVar aggregate classification (germline): Uncertain significance (1 of 4 stars; one submission).

Conditions:
Hypertrophic cardiomyopathy. Also called: HYPERTROPHIC MYOCARDIOPATHY. Identifiers: Orphanet 217569, MedGen C0007194, MeSH D002312, MONDO:0005045, HP:0001639.

Submission:

Labcorp Genetics (formerly Invitae), Labcorp
Classification: Uncertain significance for Hypertrophic cardiomyopathy. Last evaluated: 2024-10-16. Review status: criteria provided, single submitter. Criteria: Invitae Variant Classification Sherloc (09022015). Collection method: clinical testing. Allele origin: germline.
Comment: This sequence change creates a premature translational stop signal (p.Phe735*) in the MYH7 gene. It is expected to result in an absent or disrupted protein product. However, the current clinical and genetic evidence is not sufficient to establish whether loss-of-function variants in MYH7 cause disease. This variant is not present in population databases (gnomAD no frequency). This variant has not been reported in the literature in individuals affected with MYH7-related conditions. In summary, the available evidence is currently insufficient to determine the role of this variant in disease. Therefore, it has been classified as a Variant of Uncertain Significance.